The following is an entry in ClinVar:

NM_000553.6(WRN):c.555A>T (p.Leu185Phe)

Gene: WRN (WRN RecQ like helicase; plus strand). Cytogenetic location: 8p12.
Variant type: single nucleotide variant.
Coding change: c.555A>T on transcript NM_000553.6 (MANE Select); coding-DNA position 555, A replaced by T.
Protein change: p.Leu185Phe; replaces leucine 185 with phenylalanine.
Molecular consequence: missense variant.
Genome position (GRCh38, 1-based): chr8:31,067,083, A>T. VCF-style: chr8-31067083-A-T. GRCh37 (hg19) VCF-style: chr8-30924599-A-T.
Other names: short protein forms L185F.
Identifiers: ClinVar variation 1714602 (VCV001714602.5), dbSNP rs2535887160, ClinGen allele CA370916026.
Genomic context (GRCh38, chr8:31,067,083, plus strand): 5'-TCATTTCTAGCTGAAATGCACAGAGACCTGGAGCCTTAACAGTCTGGTTAAACACCTCTT[A>T]GGTAAACAGCTCCTGAAAGACAAGTCTATCCGCTGTAGCAATTGGAGTAAATTTCCTCTC-3'
Protein context (NP_000544.2, residues 175-195): WSLNSLVKHL[Leu185Phe]GKQLLKDKSI

ClinVar aggregate classification (germline): Uncertain significance (1 of 4 stars; one submission).

Conditions:
Werner syndrome (WRN). Identifiers: Orphanet 902, MedGen C0043119, MONDO:0010196, OMIM 277700.

Submission:

Labcorp Genetics (formerly Invitae), Labcorp
Classification: Uncertain significance for Werner syndrome. Last evaluated: 2022-07-31. Review status: criteria provided, single submitter. Criteria: Invitae Variant Classification Sherloc (09022015). Collection method: clinical testing. Allele origin: germline.
Comment: This variant has not been reported in the literature in individuals affected with WRN-related conditions. Algorithms developed to predict the effect of missense changes on protein structure and function output the following: SIFT: "Not Available"; PolyPhen-2: "Benign"; Align-GVGD: "Not Available". The phenylalanine amino acid residue is found in multiple mammalian species, which suggests that this missense change does not adversely affect protein function. In summary, the available evidence is currently insufficient to determine the role of this variant in disease. Therefore, it has been classified as a Variant of Uncertain Significance. This variant is not present in population databases (gnomAD no frequency). This sequence change replaces leucine, which is neutral and non-polar, with phenylalanine, which is neutral and non-polar, at codon 185 of the WRN protein (p.Leu185Phe).